The following is an entry in ClinVar:

NM_001379500.1(COL18A1):c.3916T>G (p.Ser1306Ala)

Genes: COL18A1 (collagen type XVIII alpha 1 chain; plus strand), SLC19A1 (solute carrier family 19 member 1; minus strand). Cytogenetic location: 21q22.3.
Variant type: single nucleotide variant.
Coding change: c.3916T>G on transcript NM_001379500.1 (MANE Select); coding-DNA position 3916, T replaced by G.
Protein change: p.Ser1306Ala; replaces serine 1306 with alanine.
Molecular consequence: missense variant.
Genome position (GRCh38, 1-based): chr21:45,512,294, T>G. VCF-style: chr21-45512294-T-G. GRCh37 (hg19) VCF-style: chr21-46932208-T-G.
Other names: c.4447T>G, p.Ser1483Ala (NM_030582.4); c.5152T>G, p.Ser1718Ala (NM_130444.3); short protein forms S1306A, S1718A, S1483A.
Identifiers: ClinVar variation 1376331 (VCV001376331.6), dbSNP rs2146151855, ClinGen allele CA410502313.

ClinVar aggregate classification (germline): Uncertain significance (1 of 4 stars; one submission).

Submission:

Labcorp Genetics (formerly Invitae), Labcorp
Classification: Uncertain significance. Last evaluated: 2022-07-19. Review status: criteria provided, single submitter. Criteria: Invitae Variant Classification Sherloc (09022015). Collection method: clinical testing. Allele origin: germline.
Comment: In summary, the available evidence is currently insufficient to determine the role of this variant in disease. Therefore, it has been classified as a Variant of Uncertain Significance. Experimental studies and prediction algorithms are not available or were not evaluated, and the functional significance of this variant is currently unknown. ClinVar contains an entry for this variant (Variation ID: 1376331). This variant has not been reported in the literature in individuals affected with COL18A1-related conditions. This variant is not present in population databases (gnomAD no frequency). This sequence change replaces serine with alanine at codon 1303 of the COL18A1 protein (p.Ser1303Ala). There is a moderate physicochemical difference between serine and alanine.